The following is an entry in ClinVar:

NM_007194.4(CHEK2):c.1072C>T (p.Gln358Ter)

Gene: CHEK2 (checkpoint kinase 2; minus strand). Cytogenetic location: 22q12.1.
Variant type: single nucleotide variant.
Coding change: c.1072C>T on transcript NM_007194.4 (MANE Select); coding-DNA position 1072, C replaced by T.
Protein change: p.Gln358Ter; replaces glutamine 358 with a stop codon.
Molecular consequence: nonsense. On other transcripts: intron variant (3).
Genome position (GRCh38, 1-based): chr22:28,696,924, G>A on the plus strand (C>T on the coding strand, the complement: CHEK2 is on the minus strand). VCF-style: chr22-28696924-G-A. GRCh37 (hg19) VCF-style: chr22-29092912-G-A.
Other names: c.1201C>T, p.Gln401Ter (NM_001005735.3); c.409C>T, p.Gln137Ter (NM_001257387.3, NM_001437942.1); c.871C>T, p.Gln291Ter (NM_001349956.3); c.1165C>T, p.Gln389Ter (NM_001438293.1); c.1009-1051C>T (NM_145862.3); c.1102-1051C>T (NM_001438295.1); c.1138-1051C>T (NM_001438294.1); short protein forms Q358*, Q137*, Q291*, Q401*, Q389*.
Identifiers: ClinVar variation 240727 (VCV000240727.38), dbSNP rs878854909, ClinGen allele CA10583903.

ClinVar aggregate classification (germline): Pathogenic. Review status: criteria provided, multiple submitters, no conflicts (2 of 4 stars). 6 submissions from 6 submitters: Pathogenic (3). 3 of the submissions do not count toward it. Last evaluated 2025-04-01.

Conditions:
Hereditary cancer-predisposing syndrome. Also called: Tumor predisposition; Neoplastic Syndromes, Hereditary; Hereditary Cancer Syndrome; Hereditary neoplastic syndrome. Identifiers: Orphanet 140162, MedGen C0027672, MeSH D009386, MONDO:0015356.
Familial cancer of breast. Also called: Hereditary breast cancer; BREAST CANCER, FAMILIAL; hereditary breast carcinoma. Identifiers: Orphanet 227535, MedGen C0346153, MONDO:0016419, OMIM 114480. Disease mechanism: loss of function.

Allele frequency attached by ClinVar (database versions not stated): TOPMed 0.00002.

Submissions (6):

Labcorp Genetics (formerly Invitae), Labcorp
Classification: Pathogenic for Familial cancer of breast. Last evaluated: 2025-04-01. Review status: criteria provided, single submitter. Criteria: Invitae Variant Classification Sherloc (09022015). Collection method: clinical testing. Allele origin: germline.
Comment: This sequence change creates a premature translational stop signal (p.Gln358*) in the CHEK2 gene. It is expected to result in an absent or disrupted protein product. Loss-of-function variants in CHEK2 are known to be pathogenic (PMID: 21876083, 24713400). This variant is not present in population databases (gnomAD no frequency). This variant has not been reported in the literature in individuals affected with CHEK2-related conditions. ClinVar contains an entry for this variant (Variation ID: 240727). Algorithms developed to predict the effect of sequence changes on RNA splicing suggest that this variant may disrupt the consensus splice site. For these reasons, this variant has been classified as Pathogenic.

Myriad Genetics, Inc.
Classification: Pathogenic for Familial cancer of breast. Last evaluated: 2023-06-27. Review status: criteria provided, single submitter. Criteria: Myriad Autosomal Dominant, Autosomal Recessive and X-Linked Classification Criteria (2023). Collection method: clinical testing. Allele origin: unknown.
Comment: This variant is considered pathogenic. This variant creates a termination codon and is predicted to result in premature protein truncation.

Ambry Genetics
Classification: Pathogenic for Hereditary cancer-predisposing syndrome. Last evaluated: 2022-10-20. Review status: criteria provided, single submitter. Criteria: Ambry Variant Classification Scheme 2023. Collection method: clinical testing. Allele origin: germline.
Comment: The p.Q358* pathogenic mutation (also known as c.1072C>T), located in coding exon 9 of the CHEK2 gene, results from a C to T substitution at nucleotide position 1072. This changes the amino acid from a glutamine to a stop codon within coding exon 9. This variant is considered to be rare based on population cohorts in the Genome Aggregation Database (gnomAD). This alteration is expected to result in loss of function by premature protein truncation or nonsense-mediated mRNA decay. As such, this alteration is interpreted as a disease-causing mutation.

BRCAlab, Lund University
Classification: Pathogenic for Familial cancer of breast. Last evaluated: 2022-08-26. Review status: no assertion criteria provided. Collection method: clinical testing. Allele origin: germline. Affected: yes. Not counted in ClinVar's aggregate classification.

Diagnostic Laboratory, Department of Genetics, University Medical Center Groningen
Classification: Pathogenic. Review status: no assertion criteria provided. Collection method: clinical testing. Allele origin: germline. Affected: yes. Study: VKGL Data-share Consensus. Not counted in ClinVar's aggregate classification.

Joint Genome Diagnostic Labs from Nijmegen and Maastricht, Radboudumc and MUMC+
Classification: Pathogenic. Review status: no assertion criteria provided. Collection method: clinical testing. Allele origin: germline. Affected: yes. Study: VKGL Data-share Consensus. Not counted in ClinVar's aggregate classification.

Literature cited by the submitters: PubMed 21876083 (cited by Labcorp Genetics (formerly Invitae), Labcorp); PubMed 24713400 (cited by Labcorp Genetics (formerly Invitae), Labcorp).